The following is an entry in ClinVar:

ClinVar aggregate classification (germline): Likely pathogenic (1 of 4 stars; one submission).

Conditions:
Hereditary spastic paraplegia 11. Also called: Spastic Paraplegia 11; Nakamura Osame syndrome; Autosomal recessive hereditary spastic paraplegia, mental impairment, and thin corpus callosum; Spastic paraplegia, mental retardation and thin corpus callosum; SPASTIC PARAPLEGIA, AUTOSOMAL RECESSIVE, COMPLICATED, WITH THIN CORPUS CALLOSUM; SPASTIC PARAPLEGIA, AUTOSOMAL RECESSIVE, WITH MENTAL IMPAIRMENT AND THIN CORPUS CALLOSUM. Identifiers: Orphanet 2822, MedGen C1858479, MONDO:0011445, OMIM 604360.

gnomAD v4.1: 3 of 1,613,928 alleles (0.00019%); highest among the groups gnomAD compares: Admixed American, 0.005%; no homozygotes.

Submission:

Women's Health and Genetics/Laboratory Corporation of America, LabCorp
Classification: Likely pathogenic for Hereditary spastic paraplegia 11. Last evaluated: 2026-04-17. Review status: criteria provided, single submitter. Criteria: LabCorp Variant Classification Summary - May 2015. Collection method: clinical testing. Allele origin: germline.
Comment: Variant summary: SPG11 c.1007+1G>A is located in a canonical splice-site and is predicted to affect mRNA splicing resulting in a significantly altered protein due to either exon skipping, shortening, or inclusion of intronic material. Variants that disrupt the consensus splice site are a relatively common cause of aberrant splicing and loss of SPG11 function. Several computational tools predict a significant impact on normal splicing: One predict the variant abolishes a 5' splicing donor site. However, these predictions have yet to be confirmed by functional studies. The variant was absent in 251382 control chromosomes. To our knowledge, no occurrence of c.1007+1G>A in individuals affected with SPG11-related conditions and no experimental evidence demonstrating its impact on protein function have been reported. No submitters have cited clinical-significance assessments for this variant to ClinVar. Based on the evidence outlined above, the variant was classified as likely pathogenic.

NM_025137.4(SPG11):c.1007+1G>A

Gene: SPG11 (SPG11 vesicle trafficking associated, spatacsin; minus strand). Cytogenetic location: 15q21.1.
Variant type: single nucleotide variant.
Coding change: c.1007+1G>A on transcript NM_025137.4 (MANE Select); the canonical splice donor site of the intron after coding-DNA position 1007, G replaced by A.
Molecular consequence: splice donor variant.
Genome position (GRCh38, 1-based): chr15:44,652,128, C>T on the plus strand (G>A on the coding strand, the complement: SPG11 is on the minus strand). VCF-style: chr15-44652128-C-T. GRCh37 (hg19) VCF-style: chr15-44944326-C-T.
Other names: c.1007+1G>A (NM_001411132.1, NM_001160227.2).
Identifiers: ClinVar variation 4848448 (VCV004848448.1).